The following is an entry in ClinVar:

ClinVar aggregate classification (germline): Likely benign (1 of 4 stars; one submission).

gnomAD v4.1: 84 of 1,491,560 alleles (0.0056%); highest among the groups gnomAD compares: Middle Eastern, 0.019%; no homozygotes.

Submission:

CeGaT Center for Human Genetics Tuebingen
Classification: Likely benign. Last evaluated: 2026-02-01. Review status: criteria provided, single submitter. Criteria: CeGaT Center For Human Genetics Tuebingen Variant Classification Criteria Version 2. Collection method: clinical testing. Allele origin: germline. Affected: yes. Observed: 1 variant allele.
Comment: FBRSL1: BP4, BP7

NM_001367871.1(FBRSL1):c.921C>A (p.Arg307=)

Gene: FBRSL1 (fibrosin like 1; plus strand). Cytogenetic location: 12q24.33.
Variant type: single nucleotide variant.
Coding change: c.921C>A on transcript NM_001367871.1 (MANE Select); coding-DNA position 921, C replaced by A.
Protein change: p.Arg307=; no amino-acid change (arginine 307 retained).
Molecular consequence: synonymous variant.
Genome position (GRCh38, 1-based): chr12:132,570,155, C>A. VCF-style: chr12-132570155-C-A. GRCh37 (hg19) VCF-style: chr12-133146741-C-A.
Other names: c.921C>A, p.Arg307= (NM_001142641.2, NM_001382739.1, NM_001382740.1).
Identifiers: ClinVar variation 4820841 (VCV004820841.4).